The following is an entry in ClinVar:

ClinVar aggregate classification (germline): Uncertain significance. Review status: criteria provided, multiple submitters, no conflicts (2 of 4 stars). 2 submissions from 2 submitters: Uncertain significance (2). Last evaluated 2024-12-24.

gnomAD v4.1: 3 of 1,613,896 alleles (0.00019%); highest among the groups gnomAD compares: African/African-American, 0.0013%; no homozygotes.

Submissions (2):

Labcorp Genetics (formerly Invitae), Labcorp
Classification: Uncertain significance. Last evaluated: 2024-12-24. Review status: criteria provided, single submitter. Criteria: Invitae Variant Classification Sherloc (09022015). Collection method: clinical testing. Allele origin: germline.
Comment: This sequence change replaces aspartic acid, which is acidic and polar, with valine, which is neutral and non-polar, at codon 410 of the SNRNP200 protein (p.Asp410Val). This variant is not present in population databases (gnomAD no frequency). This variant has not been reported in the literature in individuals affected with SNRNP200-related conditions. Invitae Evidence Modeling of protein sequence and biophysical properties (such as structural, functional, and spatial information, amino acid conservation, physicochemical variation, residue mobility, and thermodynamic stability) has been performed for this missense variant. However, the output from this modeling did not meet the statistical confidence thresholds required to predict the impact of this variant on SNRNP200 protein function. In summary, the available evidence is currently insufficient to determine the role of this variant in disease. Therefore, it has been classified as a Variant of Uncertain Significance.

Blueprint Genetics
Classification: Uncertain significance. Last evaluated: 2022-07-20. Review status: criteria provided, single submitter. Criteria: ACMG Guidelines, 2015. Collection method: clinical testing. Allele origin: germline.

NM_014014.5(SNRNP200):c.1229A>T (p.Asp410Val)

Gene: SNRNP200 (small nuclear ribonucleoprotein U5 subunit 200; minus strand). Cytogenetic location: 2q11.2.
Variant type: single nucleotide variant.
Coding change: c.1229A>T on transcript NM_014014.5 (MANE Select); coding-DNA position 1229, A replaced by T.
Protein change: p.Asp410Val; replaces aspartic acid 410 with valine.
Molecular consequence: missense variant.
Genome position (GRCh38, 1-based): chr2:96,297,511, T>A on the plus strand (A>T on the coding strand, the complement: SNRNP200 is on the minus strand). VCF-style: chr2-96297511-T-A. GRCh37 (hg19) VCF-style: chr2-96963249-T-A.
Other names: short protein forms D410V.
Identifiers: ClinVar variation 3609387 (VCV003609387.3).
Genomic context (GRCh38, chr2:96,297,511, plus strand): 5'-AGCTGACAGCGTTTATTGGCCATAAAGTGGCTCCCTTGGGTAAAAACCAGGTCCTCCAAG[T>A]CCAGAACCTGCCGTGGAGCCAGTGCCTGGGAATGTGAAAGACAAAAACACAAAGGAAGTA-3'
Protein context (NP_054733.2, residues 400-420): GEALAPRQVL[Asp410Val]LEDLVFTQGS